The following is an entry in ClinVar:

ClinVar aggregate classification (germline): Conflicting classifications of pathogenicity. Review status: criteria provided, conflicting classifications (1 of 4 stars). 3 submissions from 3 submitters: Uncertain significance (1); Likely benign (2). Last evaluated 2026-05-01.

Conditions:
Spastic paraplegia. Identifiers: MedGen C0037772, HP:0001258.
Inborn genetic diseases. Identifiers: MedGen C0950123, MeSH D030342.

Allele frequency attached by ClinVar (database versions not stated): gnomAD 0.00003 and 0.00004; TOPMed 0.00005; gnomAD exomes 0.00010 and 0.00011; ExAC 0.00018.
gnomAD v4.1: 160 of 1,607,820 alleles (0.01%); highest among the groups gnomAD compares: South Asian, 0.051%; 2 homozygotes.

Submissions (3):

CeGaT Center for Human Genetics Tuebingen
Classification: Likely benign. Last evaluated: 2026-05-01. Review status: criteria provided, single submitter. Criteria: CeGaT Center For Human Genetics Tuebingen Variant Classification Criteria Version 2. Collection method: clinical testing. Allele origin: germline. Affected: yes. Observed: 2 variant alleles.
Comment: RTN2: BP4, BS2

Ambry Genetics
Classification: Uncertain significance for Inborn genetic diseases. Last evaluated: 2025-08-12. Review status: criteria provided, single submitter. Criteria: Ambry Variant Classification Scheme 2023. Collection method: clinical testing. Allele origin: germline.

Labcorp Genetics (formerly Invitae), Labcorp
Classification: Likely benign for Spastic paraplegia. Last evaluated: 2025-05-25. Review status: criteria provided, single submitter. Criteria: Invitae Variant Classification Sherloc (09022015). Collection method: clinical testing. Allele origin: germline.

NM_005619.5(RTN2):c.1325C>T (p.Ala442Val)

Genes: OPA3-RTN2 (OPA3-RTN2 readthrough; minus strand), RTN2 (reticulon 2; minus strand). Cytogenetic location: 19q13.32.
Variant type: single nucleotide variant.
Coding change: c.1325C>T on transcript NM_005619.5 (MANE Select); coding-DNA position 1325, C replaced by T.
Protein change: p.Ala442Val; replaces alanine 442 with valine.
Molecular consequence: missense variant.
Genome position (GRCh38, 1-based): chr19:45,488,903, G>A on the plus strand (C>T on the coding strand, the complement: RTN2 is on the minus strand). VCF-style: chr19-45488903-G-A. GRCh37 (hg19) VCF-style: chr19-45992161-G-A.
Other names: c.1106C>T, p.Ala369Val (NM_206900.3); c.305C>T, p.Ala102Val (NM_206901.3); c.1325C>T (NM_005619.3); short protein forms A369V, A102V, A442V.
Identifiers: ClinVar variation 773992 (VCV000773992.37), dbSNP rs201863499, ClinGen allele CA9516011.
Genomic context (GRCh38, chr19:45,488,903, plus strand): 5'-GCCACCTTGAGGGAATCCACGAGGTCTTCTACCAGGAAGAAGTGCCGCAGCTGCGTGGCC[G>A]CCGAGACCACGCGGGAGGTGATCTGGTGGGACAAACGTTCCGTCTGCTCCCGAGTCAGGG-3'
Protein context (NP_005610.1, residues 432-452): SHQITSRVVS[Ala442Val]ATQLRHFFLV